The following is an entry in ClinVar:

NM_000179.3(MSH6):c.1039G>T (p.Glu347Ter)

Gene: MSH6 (mutS homolog 6; plus strand). Cytogenetic location: 2p16.3.
Variant type: single nucleotide variant.
Coding change: c.1039G>T on transcript NM_000179.3 (MANE Select); coding-DNA position 1039, G replaced by T.
Protein change: p.Glu347Ter; replaces glutamic acid 347 with a stop codon.
Molecular consequence: nonsense.
Genome position (GRCh38, 1-based): chr2:47,799,022, G>T. VCF-style: chr2-47799022-G-T. GRCh37 (hg19) VCF-style: chr2-48026161-G-T.
Other names: c.649G>T, p.Glu217Ter (NM_001281492.2); c.133G>T, p.Glu45Ter (NM_001281493.2, NM_001281494.2); short protein forms E45*, E347*, E217*.
Identifiers: ClinVar variation 850921 (VCV000850921.13), dbSNP rs1669287624, ClinGen allele CA346741451.
Genomic context (GRCh38, chr2:47,799,022, plus strand): 5'-ACTAGCATTTCATCAGAAACCAAGAATACTTTGAGAGCTTTCTCTGCCCCTCAAAATTCT[G>T]AATCCCAAGCCCACGTTAGTGGAGGTGGTGATGACAGTAGTCGCCCTACTGTTTGGTATC-3'

ClinVar aggregate classification (germline): Pathogenic. Review status: criteria provided, multiple submitters, no conflicts (2 of 4 stars). 4 submissions from 4 submitters: Pathogenic (4). Last evaluated 2026-02-03.

Conditions:
Hereditary nonpolyposis colorectal neoplasms. Identifiers: MedGen C0009405, MeSH D003123.
Hereditary nonpolyposis colon cancer (HNPCC). Also called: Hereditary nonpolyposis colorectal cancer; Familial nonpolyposis colon cancer; Hereditary Nonpolyposis Colorectal Cancer Syndrome. Identifiers: Orphanet 443909, MedGen C1333990, MONDO:0018630. Disease mechanism: loss of function.
Hereditary cancer-predisposing syndrome. Also called: Hereditary Cancer Syndrome; Neoplastic Syndromes, Hereditary; Tumor predisposition; Hereditary neoplastic syndrome. Identifiers: Orphanet 140162, MedGen C0027672, MeSH D009386, MONDO:0015356.
Lynch syndrome 5 (LYNCH5). Also called: Hereditary non-polyposis colorectal cancer, type 5; Colorectal cancer, hereditary nonpolyposis, type 5. Identifiers: Orphanet 144, MedGen C1833477, MONDO:0013710, OMIM 614350. Disease mechanism: loss of function.

Submissions (4):

Women's Health and Genetics/Laboratory Corporation of America, LabCorp
Classification: Pathogenic for Hereditary nonpolyposis colon cancer. Last evaluated: 2026-02-03. Review status: criteria provided, single submitter. Criteria: LabCorp Variant Classification Summary - May 2015. Collection method: clinical testing. Allele origin: germline.
Comment: Variant summary: MSH6 c.1039G>T (p.Glu347X) results in a premature termination codon, predicted to cause a truncation of the encoded protein or absence of the protein due to nonsense mediated decay, which are commonly known mechanisms for disease. The variant was absent in 251290 control chromosomes. To our knowledge, no occurrence of c.1039G>T in individuals affected with MSH6-related conditions and no experimental evidence demonstrating its impact on protein function have been reported. ClinVar contains an entry for this variant (Variation ID: 850921). Based on the evidence outlined above, the variant was classified as pathogenic.

Ambry Genetics
Classification: Pathogenic for Hereditary cancer-predisposing syndrome. Last evaluated: 2025-11-17. Review status: criteria provided, single submitter. Criteria: Ambry Variant Classification Scheme 2023. Collection method: clinical testing. Allele origin: germline.
Comment: The p.E347* pathogenic mutation (also known as c.1039G>T), located in coding exon 4 of the MSH6 gene, results from a G to T substitution at nucleotide position 1039. This changes the amino acid from a glutamic acid to a stop codon within coding exon 4. This alteration is expected to result in loss of function by premature protein truncation or nonsense-mediated mRNA decay. As such, this alteration is interpreted as a disease-causing mutation.

Labcorp Genetics (formerly Invitae), Labcorp
Classification: Pathogenic for Hereditary nonpolyposis colorectal neoplasms. Last evaluated: 2025-07-18. Review status: criteria provided, single submitter. Criteria: Invitae Variant Classification Sherloc (09022015). Collection method: clinical testing. Allele origin: germline.
Comment: This sequence change creates a premature translational stop signal (p.Glu347*) in the MSH6 gene. It is expected to result in an absent or disrupted protein product. Loss-of-function variants in MSH6 are known to be pathogenic (PMID: 18269114, 24362816). This variant is not present in population databases (gnomAD no frequency). This variant has not been reported in the literature in individuals affected with MSH6-related conditions. ClinVar contains an entry for this variant (Variation ID: 850921). For these reasons, this variant has been classified as Pathogenic.

Myriad Genetics, Inc.
Classification: Pathogenic for Lynch syndrome 5. Last evaluated: 2023-08-11. Review status: criteria provided, single submitter. Criteria: Myriad Autosomal Dominant, Autosomal Recessive and X-Linked Classification Criteria (2023). Collection method: clinical testing. Allele origin: unknown.
Comment: This variant is considered pathogenic. This variant creates a termination codon and is predicted to result in premature protein truncation.

Literature cited by the submitters: PubMed 18269114 (cited by Labcorp Genetics (formerly Invitae), Labcorp); PubMed 24362816 (cited by Labcorp Genetics (formerly Invitae), Labcorp).